The following is an entry in ClinVar:

ClinVar aggregate classification (germline): Benign. Review status: criteria provided, multiple submitters, no conflicts (2 of 4 stars). 2 submissions from 2 submitters: Benign (2). Last evaluated 2018-12-23.

Conditions:
PGM1-congenital disorder of glycosylation. Also called: CDG It; Congenital disorder of glycosylation type 1t; PHOSPHOGLUCOMUTASE 1 DEFICIENCY; PGM1 DEFICIENCY; GLYCOGEN STORAGE DISEASE XIV; GSD XIV. Identifiers: Orphanet 319646, MedGen C2752015, MONDO:0013968, OMIM 614921.

Allele frequency attached by ClinVar (database versions not stated): gnomAD exomes 0.00170; gnomAD 0.01471 and 0.01573; TOPMed 0.01633; 1000 Genomes Project 0.01657; 1000 Genomes Project 30x 0.01749.
gnomAD v4.1: 3,237 of 734,580 alleles (0.44%); highest among the groups gnomAD compares: African/African-American, 5%; 76 homozygotes.

Submissions (2):

GeneDx
Classification: Benign. Last evaluated: 2018-12-23. Review status: criteria provided, single submitter. Criteria: GeneDx Variant Classification Process June 2021. Collection method: clinical testing. Allele origin: germline. Affected: yes.

Illumina Laboratory Services, Illumina
Classification: Benign for PGM1-congenital disorder of glycosylation. Last evaluated: 2018-01-13. Review status: criteria provided, single submitter. Criteria: ICSL Variant Classification Criteria 13 December 2019. Collection method: clinical testing. Allele origin: germline.
Comment: This variant was observed in the ICSL laboratory as part of a predisposition screen in an ostensibly healthy population. It had not been previously curated by ICSL or reported in the Human Gene Mutation Database (HGMD: prior to June 1st, 2018), and was therefore a candidate for classification through an automated scoring system. Utilizing variant allele frequency, disease prevalence and penetrance estimates, and inheritance mode, an automated score was calculated to assess if this variant is too frequent to cause the disease. Based on the score and internal cut-off values, a variant classified as benign is not then subjected to further curation. The score for this variant resulted in a classification of benign for this disease.

NM_002633.3(PGM1):c.*130C>T

Gene: PGM1 (phosphoglucomutase 1; plus strand). Cytogenetic location: 1p31.3.
Variant type: single nucleotide variant.
Coding change: c.*130C>T on transcript NM_002633.3 (MANE Select); 130 bases downstream of the stop codon, C replaced by T.
Molecular consequence: 3 prime UTR variant.
Genome position (GRCh38, 1-based): chr1:63,659,805, C>T. VCF-style: chr1-63659805-C-T. GRCh37 (hg19) VCF-style: chr1-64125476-C-T.
Other names: c.*130C>T (NM_001172818.1, NM_001172819.2).
Identifiers: ClinVar variation 297898 (VCV000297898.6), dbSNP rs2749098, ClinGen allele CA10611360.